The following is an entry in ClinVar:

NM_025114.4(CEP290):c.2332_2334del (p.Asn778del)

Gene: CEP290 (centrosomal protein 290; minus strand). Cytogenetic location: 12q21.32.
Variant type: Deletion.
Coding change: c.2332_2334del on transcript NM_025114.4 (MANE Select); coding-DNA positions 2332 to 2334, 3 bases deleted (AAT; older notation c.2332_2334delAAT).
Protein change: p.Asn778del; deletes asparagine 778.
Molecular consequence: inframe deletion.
Genome position (GRCh38, 1-based): chr12:88,111,235-88,111,237, ATT deleted on the plus strand (AAT on the coding strand, the reverse complement: CEP290 is on the minus strand); deleting any 3 consecutive bases within chr12:88,111,235-88,111,238 gives the same sequence; the c. name uses the placement nearest the transcript's 3' end. VCF-style (leftmost placement, unchanged base first): chr12-88111234-AATT-A. GRCh37 (hg19) VCF-style: chr12-88505011-AATT-A.
Other names: short protein forms N778del.
Identifiers: ClinVar variation 1442003 (VCV001442003.9), dbSNP rs2038666741, ClinGen allele CA950219483.

ClinVar aggregate classification (germline): Uncertain significance. Review status: criteria provided, multiple submitters, no conflicts (2 of 4 stars). 3 submissions from 3 submitters: Uncertain significance (3). Last evaluated 2026-08-06.

Conditions:
Joubert syndrome. Also called: JOUBERT-BOLTSHAUSER SYNDROME; Familial aplasia of the vermis. Identifiers: Orphanet 475, MedGen C5979921, MONDO:0018772.
Meckel-Gruber syndrome. Also called: DYSENCEPHALIA SPLANCHNOCYSTICA; GRUBER SYNDROME; Dysencephalia splachnocystica. Identifiers: Orphanet 564, MedGen C0265215, MONDO:0018921.
Nephronophthisis. Also called: Juvenile Nephronophthisis. Identifiers: Orphanet 655, MedGen C0687120, MONDO:0019005, HP:0000090.
Joubert syndrome 5 (JBTS5). Identifiers: Orphanet 2318, MedGen C1857780, MONDO:0012432, OMIM 610188.
Senior-Loken syndrome 6 (SLSN6). Identifiers: Orphanet 3156, MedGen C1857779, MONDO:0012433, OMIM 610189.
Leber congenital amaurosis 10 (LCA10). Identifiers: Orphanet 65, MedGen C1857821, MONDO:0012723, OMIM 611755.
Bardet-Biedl syndrome 14 (BBS14). Identifiers: Orphanet 110, MedGen C2673874, MONDO:0014442, OMIM 615991.
Meckel syndrome, type 4 (MKS4). Also called: MECKEL-GRUBER SYNDROME, TYPE 4. Identifiers: Orphanet 564, MedGen C1970161, MONDO:0012626, OMIM 611134.

Submissions (3):

OLLIN Analises Genomicas, OLLIN
Classification: Uncertain significance for Senior-Loken syndrome 6. Last evaluated: 2026-08-06. Review status: criteria provided, single submitter. Criteria: ACMG Guidelines 2015 PMID 25741868. Collection method: clinical testing. Allele origin: germline. Inheritance: Autosomal recessive inheritance.
Comment: This in-frame deletion, located in exon 22 (of 54), has been reported in ClinVar (accession VCV001442003.8) and in gnomAD with an allele frequency of 0.000209%. However, to our knowledge, it has not been reported in the scientific literature. This variant removes 1 amino acid, preserving the reading frame and leading to a reduced protein length. According to the currently available evidence, this variant has been classified as uncertain significance (PM2_P, PM4).

Labcorp Genetics (formerly Invitae), Labcorp
Classification: Uncertain significance for Joubert syndrome; Meckel-Gruber syndrome; Nephronophthisis. Last evaluated: 2025-07-28. Review status: criteria provided, single submitter. Criteria: Invitae Variant Classification Sherloc (09022015). Collection method: clinical testing. Allele origin: germline.
Comment: This variant, c.2332_2334del, results in the deletion of 1 amino acid(s) of the CEP290 protein (p.Asn778del), but otherwise preserves the integrity of the reading frame. This variant is not present in population databases (gnomAD no frequency). This variant has not been reported in the literature in individuals affected with CEP290-related conditions. ClinVar contains an entry for this variant (Variation ID: 1442003). In summary, the available evidence is currently insufficient to determine the role of this variant in disease. Therefore, it has been classified as a Variant of Uncertain Significance.

Fulgent Genetics
Classification: Uncertain significance for Joubert syndrome 5; Senior-Loken syndrome 6; Meckel syndrome, type 4; Leber congenital amaurosis 10; Bardet-Biedl syndrome 14. Last evaluated: 2024-04-10. Review status: criteria provided, single submitter. Criteria: ACMG Guidelines, 2015. Collection method: clinical testing. Allele origin: germline.